The following is an entry in ClinVar:

NM_016194.4(GNB5):c.252G>A (p.Ala84=)

Gene: GNB5 (G protein subunit beta 5; minus strand). Cytogenetic location: 15q21.2.
Variant type: single nucleotide variant.
Coding change: c.252G>A on transcript NM_016194.4 (MANE Select); coding-DNA position 252, G replaced by A.
Protein change: p.Ala84=; no amino-acid change (alanine 84 retained).
Molecular consequence: synonymous variant.
Genome position (GRCh38, 1-based): chr15:52,154,063, C>T on the plus strand (G>A on the coding strand, the complement: GNB5 is on the minus strand). VCF-style: chr15-52154063-C-T. GRCh37 (hg19) VCF-style: chr15-52446260-C-T.
Other names: p.Ala84=; c.126G>A, p.Ala42= (NM_006578.4).
Identifiers: ClinVar variation 517014 (VCV000517014.4), dbSNP rs35581121, ClinGen allele CA7565889.

ClinVar aggregate classification (germline): Benign. Review status: criteria provided, multiple submitters, no conflicts (2 of 4 stars). 4 submissions from 4 submitters: Benign (4). Last evaluated 2025-04-09.

Allele frequency attached by ClinVar (database versions not stated): 1000 Genomes Project 0.01677; 1000 Genomes Project 30x 0.01686; gnomAD 0.02626 and 0.02650; TOPMed 0.02626; ExAC 0.02703; gnomAD exomes 0.02710 and 0.03419; ESP Exome Variant Server 0.02720.

Submissions (4):

Molecular Diagnostic Laboratory for Inherited Cardiovascular Disease, Montreal Heart Institute
Classification: Benign. Last evaluated: 2025-04-09. Review status: criteria provided, single submitter. Criteria: ACMG Guidelines, 2015. Collection method: clinical testing. Allele origin: germline. Affected: no.

Mayo Clinic Laboratories, Mayo Clinic
Classification: Benign. Last evaluated: 2023-02-03. Review status: criteria provided, single submitter. Criteria: ACMG Guidelines, 2015. Collection method: clinical testing. Allele origin: germline. Observed: 33 variant alleles.
Comment: BS1, BS2, BP4, BP7

GeneDx
Classification: Benign. Last evaluated: 2017-08-30. Review status: criteria provided, single submitter. Criteria: GeneDx Variant Classification (06012015). Collection method: clinical testing. Allele origin: germline. Affected: yes.
Comment: This variant is considered likely benign or benign based on one or more of the following criteria: it is a conservative change, it occurs at a poorly conserved position in the protein, it is predicted to be benign by multiple in silico algorithms, and/or has population frequency not consistent with disease.

Breakthrough Genomics
Classification: Benign. Review status: criteria provided, single submitter. Criteria: ACMG Guidelines, 2015. Collection method: not provided. Allele origin: germline. Inheritance: Autosomal recessive inheritance. Affected: yes.